The following is an entry in ClinVar:

NM_001379451.1(BCORL1):c.3676C>T (p.Arg1226Cys)

Gene: BCORL1 (BCL6 corepressor like 1; plus strand). Cytogenetic location: Xq26.1.
Variant type: single nucleotide variant.
Coding change: c.3676C>T on transcript NM_001379451.1 (MANE Select); coding-DNA position 3676, C replaced by T.
Protein change: p.Arg1226Cys; replaces arginine 1226 with cysteine.
Molecular consequence: missense variant.
Genome position (GRCh38, 1-based): chrX:130,022,965, C>T. VCF-style: chrX-130022965-C-T. GRCh37 (hg19) VCF-style: chrX-129156940-C-T.
Other names: c.3676C>T, p.Arg1226Cys (NM_001184772.3, NM_001379450.1, NM_021946.5); c.3676C>T (NM_021946.4); short protein forms R1226C.
Identifiers: ClinVar variation 1676183 (VCV001676183.34), dbSNP rs2124479794, ClinGen allele CA414597092.
Genomic context (GRCh38, chrX:130,022,965, plus strand): 5'-GAAAAGAAAGCAAAGAGCAGTTTCCGTGACTTTATTCCTGTGGTTCTGAGCACCCGCACG[C>T]GCAGTCAGTCTGGTGAGTGAGACTAAGGTGATGGCCCCTCTCAGCATCTTCTATGAAAAG-3'
Protein context (NP_001366380.1, residues 1216-1236): FIPVVLSTRT[Arg1226Cys]SQSGSICSSF

ClinVar aggregate classification (germline): Uncertain significance. Review status: criteria provided, multiple submitters, no conflicts (2 of 4 stars). 2 submissions from 2 submitters: Uncertain significance (2). Last evaluated 2026-06-15.

Conditions:
BCORL1-related disorder. Also called: BCORL1-related condition.

Submissions (2):

PreventionGenetics, part of Exact Sciences
Classification: Uncertain significance for BCORL1-related condition. Last evaluated: 2026-06-15. Review status: criteria provided, single submitter. Criteria: ACMG Guidelines, 2015. Collection method: clinical testing. Allele origin: germline.
Comment: The BCORL1 c.3676C>T variant is predicted to result in the amino acid substitution p.Arg1226Cys. To our knowledge, this variant has not been reported in the literature or in a large population database (gnomAD), indicating this variant is rare. At this time, the clinical significance of this variant is uncertain due to the absence of conclusive functional and genetic evidence.

CeGaT Center for Human Genetics Tuebingen
Classification: Uncertain significance. Last evaluated: 2022-02-01. Review status: criteria provided, single submitter. Criteria: CeGaT Center For Human Genetics Tuebingen Variant Classification Criteria Version 2. Collection method: clinical testing. Allele origin: germline. Affected: yes. Observed: 1 variant allele.